The following is an entry in ClinVar:

ClinVar aggregate classification (germline): Likely benign (1 of 4 stars; one submission).

Conditions:
MTMR2-related disorder. Also called: MTMR2-related condition.

gnomAD v4.1: 1 of 1,612,792 alleles (0.000062%); highest among the groups gnomAD compares: East Asian, 0.0022%; no homozygotes.

Submission:

PreventionGenetics, part of Exact Sciences
Classification: Likely benign for MTMR2-related condition. Last evaluated: 2025-03-19. Review status: criteria provided, single submitter. Criteria: ACMG Guidelines, 2015. Collection method: clinical testing. Allele origin: germline.
Comment: This variant is classified as likely benign based on ACMG/AMP sequence variant interpretation guidelines (Richards et al. 2015 PMID: 25741868, with internal and published modifications).

NM_016156.6(MTMR2):c.1180-5T>A

Gene: MTMR2 (myotubularin related protein 2; minus strand). Cytogenetic location: 11q21.
Variant type: single nucleotide variant.
Coding change: c.1180-5T>A on transcript NM_016156.6 (MANE Select); 5 bases into the intron before coding-DNA position 1180, T replaced by A.
Molecular consequence: intron variant.
Genome position (GRCh38, 1-based): chr11:95,845,164, A>T on the plus strand (T>A on the coding strand, the complement: MTMR2 is on the minus strand). VCF-style: chr11-95845164-A-T. GRCh37 (hg19) VCF-style: chr11-95578328-A-T.
Other names: c.964-5T>A (NM_001440635.1, NM_001440636.1, NM_201281.3 and 11 more transcripts); c.994-5T>A (NM_001440649.1, NM_001440650.1); c.1096-5T>A (NM_001440647.1); c.991-5T>A (NM_001440651.1); c.1180-5T>A (NM_001440648.1); c.832-5T>A (NM_001440642.1); c.778-5T>A (NM_001440643.1).
Identifiers: ClinVar variation 4980494 (VCV004980494.1).